The following is an entry in ClinVar:

ClinVar aggregate classification (germline): Pathogenic (1 of 4 stars; one submission).

Conditions:
Coffin-Siris syndrome 6. Identifiers: MedGen C4540499, MONDO:0033492, OMIM 617808.

Submission:

Victorian Clinical Genetics Services, Murdoch Childrens Research Institute
Classification: Pathogenic for Coffin-Siris syndrome 6. Last evaluated: 2021-05-06. Review status: criteria provided, single submitter. Criteria: ACMG Guidelines, 2015. Collection method: clinical testing. Allele origin: germline. Inheritance: Autosomal dominant inheritance.
Comment: Based on the classification scheme VCGS_Germline_v1.3.4, this variant is classified as Pathogenic. Following criteria are met: 0102 - Loss of function is a known mechanism of disease in this gene and is associated with Coffin-Siris syndrome 6 (MIM#617808). (I) 0107 - This gene is associated with autosomal dominant disease. (I) 0201 - Variant is predicted to cause nonsense-mediated decay (NMD) and loss of protein (premature termination codon is located at least 54 nucleotides upstream of the final exon-exon junction). (SP) 0251 - This variant is heterozygous. (I) 0301 - Variant is absent from gnomAD (both v2 and v3). (SP) 0701 - Other NMD-predicted variants comparable to the one identified in this case have very strong previous evidence for pathogenicity. These variants have been reported as pathogenic, and observed in individuals with Coffin-Siris syndrome (Decipher, PMID: 30838730, PMID: 28124119). (SP) 0807 - This variant has no previous evidence of pathogenicity. (I) 0905 - No published segregation evidence has been identified for this variant. (I) 1007 - No published functional evidence has been identified for this variant. (I) 1208 - Inheritance information for this variant is not currently available in this individual. (I) Legend: (SP) - Supporting pathogenic, (I) - Information, (SB) - Supporting benign

Literature cited by the submitters: PubMed 28124119; PubMed 30838730.

NM_152641.4(ARID2):c.1334_1338del (p.Met445fs)

Gene: ARID2 (AT-rich interaction domain 2; plus strand). Cytogenetic location: 12q12.
Variant type: Deletion.
Coding change: c.1334_1338del on transcript NM_152641.4 (MANE Select); coding-DNA positions 1334 to 1338, 5 bases deleted (TGTTA; older notation c.1334_1338delTGTTA).
Protein change: p.Met445fs; shifts the reading frame from methionine 445.
Molecular consequence: frameshift variant.
Genome position (GRCh38, 1-based): chr12:45,839,332-45,839,336, TGTTA deleted; deleting any 5 consecutive bases within chr12:45,839,331-45,839,336 gives the same sequence; the c. name uses the placement nearest the transcript's 3' end. VCF-style (leftmost placement, unchanged base first): chr12-45839330-CATGTT-C. GRCh37 (hg19) VCF-style: chr12-46233113-CATGTT-C.
Other names: c.1334_1338del, p.Met445fs (NM_001347839.2); short protein forms M445fs.
Identifiers: ClinVar variation 1805865 (VCV001805865.1), dbSNP rs2547653183, ClinGen allele CA1139771215.